The following is an entry in ClinVar:

ClinVar aggregate classification (germline): Likely pathogenic (1 of 4 stars; one submission).

Conditions:
Autosomal recessive nonsyndromic hearing loss 9. Also called: NEUROSENSORY NONSYNDROMIC RECESSIVE DEAFNESS 9; OTOF-Related Hearing Loss; Deafness, autosomal recessive 9; AUDITORY NEUROPATHY, AUTOSOMAL RECESSIVE, 1, TEMPERATURE-SENSITIVE. Identifiers: Orphanet 90636, MedGen C1832828, MONDO:0010986, OMIM 601071.

Submission:

Institute of Rare Diseases, West China Hospital, Sichuan University
Classification: Likely pathogenic for Autosomal recessive nonsyndromic hearing loss 9. Last evaluated: 2025-01-09. Review status: criteria provided, single submitter. Criteria: ClinGen HL ACMG Specifications v1. Collection method: research. Allele origin: germline. Affected: yes.
Comment: PM3;PP4;PM2_Supporting;PM4

NM_194323.3(OTOF):c.3593TCA[2] (p.Ile1200del)

Gene: OTOF (otoferlin; minus strand). Cytogenetic location: 2p23.3.
Variant type: Microsatellite.
Coding change: c.3593TCA[2] on transcript NM_194323.3 (MANE Plus Clinical); two copies in a row of the 3-base unit TCA starting at c.3593; the reference has three copies in a row; one copy, 3 bases deleted.
Protein change: p.Ile1200del; deletes isoleucine 1200.
Molecular consequence: 3 prime UTR variant (on NM_194248.3).
Genome position (GRCh38, 1-based): chr2:26,458,132-26,458,134, TGA deleted on the plus strand (TCA on the coding strand, the reverse complement: OTOF is on the minus strand); deleting any 3 consecutive bases within chr2:26,458,132-26,458,140 gives the same sequence; the position shown is the placement nearest the transcript's 3' end. VCF-style (leftmost placement, unchanged base first): chr2-26458131-TTGA-T. GRCh37 (hg19) VCF-style: chr2-26680999-TTGA-T.
Other names: c.5894TCA[2], p.Ile1967del (NM_001287489.2); c.*98TCA[2] (NM_004802.4, NM_194248.3, NM_194322.3); c.5900_5902del (NM_001287489.2); short protein forms I1200del, I1967del.
Identifiers: ClinVar variation 3601560 (VCV003601560.1).